The following is an entry in ClinVar:

ClinVar aggregate classification (germline): Uncertain significance (1 of 4 stars; one submission).

Conditions:
Naxos disease (NXD). Also called: KERATOSIS PALMOPLANTARIS WITH ARRHYTHMOGENIC CARDIOMYOPATHY; MAL DE NAXOS; PALMOPLANTAR KERATODERMA WITH ARRHYTHMOGENIC RIGHT VENTRICULAR CARDIOMYOPATHY AND WOOLLY HAIR; WOOLLY HAIR, PALMOPLANTAR KERATODERMA, AND CARDIAC ABNORMALITIES; CARDIOMYOPATHY, ARRHYTHMOGENIC RIGHT VENTRICULAR, WITH SKIN, HAIR, AND NAIL ABNORMALITIES. Identifiers: Orphanet 34217, MedGen C1832600, MONDO:0011017, OMIM 601214.
Arrhythmogenic right ventricular dysplasia 12. Also called: ARRHYTHMOGENIC RIGHT VENTRICULAR DYSPLASIA, FAMILIAL, 12. Identifiers: MedGen C1969081, MONDO:0012684, OMIM 611528.

Submission:

Labcorp Genetics (formerly Invitae), Labcorp
Classification: Uncertain significance for Arrhythmogenic right ventricular dysplasia 12; Naxos disease. Last evaluated: 2023-04-27. Review status: criteria provided, single submitter. Criteria: Invitae Variant Classification Sherloc (09022015). Collection method: clinical testing. Allele origin: germline.
Comment: An algorithm developed to predict the effect of missense changes on protein structure and function (PolyPhen-2) suggests that this variant is likely to be tolerated. In summary, the available evidence is currently insufficient to determine the role of this variant in disease. Therefore, it has been classified as a Variant of Uncertain Significance. This variant has not been reported in the literature in individuals affected with JUP-related conditions. This variant is not present in population databases (gnomAD no frequency). This sequence change replaces glutamine, which is neutral and polar, with arginine, which is basic and polar, at codon 63 of the JUP protein (p.Gln63Arg).

NM_002230.4(JUP):c.188A>G (p.Gln63Arg)

Gene: JUP (junction plakoglobin; minus strand). Cytogenetic location: 17q21.2.
Variant type: single nucleotide variant.
Coding change: c.188A>G on transcript NM_002230.4 (MANE Select); coding-DNA position 188, A replaced by G.
Protein change: p.Gln63Arg; replaces glutamine 63 with arginine.
Molecular consequence: missense variant.
Genome position (GRCh38, 1-based): chr17:41,771,667, T>C on the plus strand (A>G on the coding strand, the complement: JUP is on the minus strand). VCF-style: chr17-41771667-T-C. GRCh37 (hg19) VCF-style: chr17-39927919-T-C.
Other names: c.188A>G, p.Gln63Arg (NM_001352773.2, NM_001352774.2, NM_001352775.2 and 3 more transcripts); short protein forms Q63R.
Identifiers: ClinVar variation 2938982 (VCV002938982.3), dbSNP rs2544214580, ClinGen allele CA399506615.